The following is an entry in ClinVar:

NM_000540.3(RYR1):c.1122+6T>G

Gene: RYR1 (ryanodine receptor 1; plus strand). Cytogenetic location: 19q13.2.
Variant type: single nucleotide variant.
Coding change: c.1122+6T>G on transcript NM_000540.3 (MANE Select); 6 bases into the intron after coding-DNA position 1122, T replaced by G.
Molecular consequence: intron variant.
Genome position (GRCh38, 1-based): chr19:38,448,819, T>G. VCF-style: chr19-38448819-T-G. GRCh37 (hg19) VCF-style: chr19-38939459-T-G.
Other names: c.1122+6T>G (NM_001042723.2).
Identifiers: ClinVar variation 963512 (VCV000963512.7), dbSNP rs1600657309, ClinGen allele CA1139666430.

ClinVar aggregate classification (germline): Uncertain significance (1 of 4 stars; one submission).

Conditions:
RYR1-related disorder. Also called: RYR1-related disorders; RYR1-related condition. Identifiers: MedGen CN239331.

Submission:

Labcorp Genetics (formerly Invitae), Labcorp
Classification: Uncertain significance for RYR1-related disorder. Last evaluated: 2019-09-09. Review status: criteria provided, single submitter. Criteria: Invitae Variant Classification Sherloc (09022015). Collection method: clinical testing. Allele origin: germline.
Comment: In summary, the available evidence is currently insufficient to determine the role of this variant in disease. Therefore, it has been classified as a Variant of Uncertain Significance. Nucleotide substitutions within the consensus splice site are a relatively common cause of aberrant splicing (PMID: 17576681, 9536098). Algorithms developed to predict the effect of sequence changes on RNA splicing suggest that this variant may disrupt the consensus splice site, but this prediction has not been confirmed by published transcriptional studies. This variant has not been reported in the literature in individuals with RYR1-related conditions. This variant is not present in population databases (ExAC no frequency). This sequence change falls in intron 11 of the RYR1 gene. It does not directly change the encoded amino acid sequence of the RYR1 protein, but it affects a nucleotide within the consensus splice site of the intron.

Literature cited by the submitters: PubMed 17576681; PubMed 9536098.